The following is an entry in ClinVar:

NM_175875.5(SIX5):c.1232C>T (p.Ala411Val)

Gene: SIX5 (SIX homeobox 5; minus strand). Cytogenetic location: 19q13.32.
Variant type: single nucleotide variant.
Coding change: c.1232C>T on transcript NM_175875.5 (MANE Select); coding-DNA position 1232, C replaced by T.
Protein change: p.Ala411Val; replaces alanine 411 with valine.
Molecular consequence: missense variant.
Genome position (GRCh38, 1-based): chr19:45,766,727, G>A on the plus strand (C>T on the coding strand, the complement: SIX5 is on the minus strand). VCF-style: chr19-45766727-G-A. GRCh37 (hg19) VCF-style: chr19-46269985-G-A.
Other names: c.1232C>T (NM_175875.4); short protein forms A411V.
Identifiers: ClinVar variation 2146957 (VCV002146957.7), dbSNP rs777294512, ClinGen allele CA309000917.

ClinVar aggregate classification (germline): Uncertain significance. Review status: criteria provided, multiple submitters, no conflicts (2 of 4 stars). 4 submissions from 4 submitters: Uncertain significance (4). Last evaluated 2024-10-28.

Conditions:
Branchiootorenal syndrome 2 (BOR2). Identifiers: Orphanet 107, MedGen C1970479, MONDO:0012575, OMIM 610896.

Allele frequency attached by ClinVar (database versions not stated): gnomAD 0.00001; gnomAD exomes 0.00001; TOPMed 0.00001.

Submissions (4):

Labcorp Genetics (formerly Invitae), Labcorp
Classification: Uncertain significance. Last evaluated: 2024-10-28. Review status: criteria provided, single submitter. Criteria: Invitae Variant Classification Sherloc (09022015). Collection method: clinical testing. Allele origin: germline.
Comment: This sequence change replaces alanine, which is neutral and non-polar, with valine, which is neutral and non-polar, at codon 411 of the SIX5 protein (p.Ala411Val). The frequency data for this variant in the population databases is considered unreliable, as metrics indicate poor data quality at this position in the gnomAD database. This variant has not been reported in the literature in individuals affected with SIX5-related conditions. ClinVar contains an entry for this variant (Variation ID: 2146957). Invitae Evidence Modeling of protein sequence and biophysical properties (such as structural, functional, and spatial information, amino acid conservation, physicochemical variation, residue mobility, and thermodynamic stability) indicates that this missense variant is not expected to disrupt SIX5 protein function with a negative predictive value of 80%. In summary, the available evidence is currently insufficient to determine the role of this variant in disease. Therefore, it has been classified as a Variant of Uncertain Significance.

Fulgent Genetics
Classification: Uncertain significance for Branchiootorenal syndrome 2. Last evaluated: 2024-03-31. Review status: criteria provided, single submitter. Criteria: ACMG Guidelines, 2015. Collection method: clinical testing. Allele origin: germline.

Ambry Genetics
Classification: Uncertain significance. Last evaluated: 2024-01-02. Review status: criteria provided, single submitter. Criteria: Ambry Variant Classification Scheme 2023. Collection method: clinical testing. Allele origin: germline.

Blueprint Genetics
Classification: Uncertain significance. Last evaluated: 2022-04-06. Review status: criteria provided, single submitter. Criteria: ACMG Guidelines, 2015. Collection method: clinical testing. Allele origin: germline.